The following is an entry in ClinVar:

ClinVar aggregate classification (germline): Likely pathogenic. Review status: criteria provided, multiple submitters, no conflicts (2 of 4 stars). 2 submissions from 2 submitters: Likely pathogenic (2). Last evaluated 2024-11-11.

Conditions:
Leber congenital amaurosis (LCA). Also called: Leber's amaurosis. Identifiers: Orphanet 65, MedGen C0339527, MeSH D057130, MONDO:0018998.
Leber congenital amaurosis 2 (LCA2). Also called: Autosomal Recessive RPE65-Related Retinal Degeneration; AMAUROSIS CONGENITA OF LEBER II. Identifiers: Orphanet 65, MedGen C1859844, MONDO:0008765, OMIM 204100. Disease mechanism: loss of function.

Allele frequency attached by ClinVar (database versions not stated): gnomAD 0.00001.
gnomAD v4.1: 1 of 1,613,692 alleles (0.000062%); highest among the groups gnomAD compares: African/African-American, 0.0013%; no homozygotes.

Submissions (2):

Natera, Inc.
Classification: Likely pathogenic for Leber congenital amaurosis. Last evaluated: 2024-11-11. Review status: criteria provided, single submitter. Criteria: Natera Variant Classification Schema (03/2026). Collection method: clinical testing. Allele origin: germline.
Comment: The c.36C>G variant in RPE65 is a nonsense variant predicted to introduce a stop codon at amino acid 12. This variant is expected to result in nonsense mediated decay, truncation, or a dysfunctional protein product. This variant is rare in the general population with a frequency below the threshold expected for the associated phenotype(s). Given the available evidence, this variant is classified as Likely Pathogenic.

Baylor Genetics
Classification: Likely pathogenic for Leber congenital amaurosis 2. Last evaluated: 2022-03-05. Review status: criteria provided, single submitter. Criteria: ACMG Guidelines, 2015. Collection method: clinical testing. Allele origin: unknown.

NM_000329.3(RPE65):c.36C>G (p.Tyr12Ter)

Gene: RPE65 (retinoid isomerohydrolase RPE65; minus strand). Cytogenetic location: 1p31.3.
Variant type: single nucleotide variant.
Coding change: c.36C>G on transcript NM_000329.3 (MANE Select); coding-DNA position 36, C replaced by G.
Protein change: p.Tyr12Ter; replaces tyrosine 12 with a stop codon.
Molecular consequence: nonsense. On other transcripts: 5 prime UTR variant (1), intron variant (1).
Genome position (GRCh38, 1-based): chr1:68,448,682, G>C on the plus strand (C>G on the coding strand, the complement: RPE65 is on the minus strand). VCF-style: chr1-68448682-G-C. GRCh37 (hg19) VCF-style: chr1-68914365-G-C.
Other names: c.36C>G, p.Tyr12Ter (NM_001406853.1, NM_001406859.1, NM_001406860.1); c.-90C>G (NM_001406856.1); c.-183+1213C>G (NM_001406857.1); c.36C>G (NM_000329.2); short protein forms Y12*.
Identifiers: ClinVar variation 2678447 (VCV002678447.2), dbSNP rs1233702775, ClinGen allele CA340750300.
Genomic context (GRCh38, chr1:68,448,682, plus strand): 5'-ACCTGTTACATGAGCTGTGAGCGGCGAGGACAGTTCCTCCACAGTTTCAAACAGTTTCTT[G>C]TAACCACCAGCAGGATGCTCAACCCTGAAATGGTGGAAGAATAAGGAAGAAGCCCATGTT-3'